The following is an entry in ClinVar:

NM_001004334.4(GPR179):c.1617C>T (p.His539=)

Gene: GPR179 (G protein-coupled receptor 179; minus strand). Cytogenetic location: 17q12.
Variant type: single nucleotide variant.
Coding change: c.1617C>T on transcript NM_001004334.4 (MANE Select); coding-DNA position 1617, C replaced by T.
Protein change: p.His539=; no amino-acid change (histidine 539 retained).
Molecular consequence: synonymous variant.
Genome position (GRCh38, 1-based): chr17:38,335,061, G>A on the plus strand (C>T on the coding strand, the complement: GPR179 is on the minus strand). VCF-style: chr17-38335061-G-A. GRCh37 (hg19) VCF-style: chr17-36490944-G-A.
Other names: c.1617C>T (NM_001004334.3).
Identifiers: ClinVar variation 1655365 (VCV001655365.11), dbSNP rs201822664, ClinGen allele CA290108621.

ClinVar aggregate classification (germline): Likely benign. Review status: criteria provided, multiple submitters, no conflicts (2 of 4 stars). 3 submissions from 3 submitters: Likely benign (2). 1 of the submissions does not count toward it. Last evaluated 2024-04-25.

Conditions:
GPR179-related disorder. Also called: GPR179-related condition.

Allele frequency attached by ClinVar (database versions not stated): TOPMed 0.00003; gnomAD exomes 0.00004 and 0.00005; gnomAD 0.00005; ExAC 0.00006; 1000 Genomes Project 30x 0.00016; 1000 Genomes Project 0.00020.
gnomAD v4.1: 62 of 1,613,642 alleles (0.0038%); highest among the groups gnomAD compares: East Asian, 0.027%; no homozygotes.

Submissions (3):

Labcorp Genetics (formerly Invitae), Labcorp
Classification: Likely benign. Last evaluated: 2024-04-25. Review status: criteria provided, single submitter. Criteria: Invitae Variant Classification Sherloc (09022015). Collection method: clinical testing. Allele origin: germline.

Blueprint Genetics
Classification: Likely benign. Last evaluated: 2020-10-05. Review status: criteria provided, single submitter. Criteria: ACMG Guidelines, 2015. Collection method: clinical testing. Allele origin: germline.

PreventionGenetics, part of Exact Sciences
Classification: Likely benign for GPR179-related condition. Last evaluated: 2019-04-04. Review status: no assertion criteria provided. Collection method: clinical testing. Allele origin: germline. Not counted in ClinVar's aggregate classification.
Comment: This variant is classified as likely benign based on ACMG/AMP sequence variant interpretation guidelines (Richards et al. 2015 PMID: 25741868, with internal and published modifications).